The following is an entry in ClinVar:

NM_020884.7(MYH7B):c.-84C>T

Gene: MYH7B (myosin heavy chain 7B; plus strand). Cytogenetic location: 20q11.22.
Variant type: single nucleotide variant.
Coding change: c.-84C>T on transcript NM_020884.7 (MANE Select); 84 bases upstream of the start codon, C replaced by T.
Molecular consequence: 5 prime UTR variant.
Genome position (GRCh38, 1-based): chr20:34,977,669, C>T. VCF-style: chr20-34977669-C-T. GRCh37 (hg19) VCF-style: chr20-33565472-C-T.
Other names: c.43C>T (NM_020884.3).
Identifiers: ClinVar variation 2077751 (VCV002077751.5), dbSNP rs774018469, ClinGen allele CA9826235.

ClinVar aggregate classification (germline): Uncertain significance. Review status: criteria provided, multiple submitters, no conflicts (2 of 4 stars). 2 submissions from 2 submitters: Uncertain significance (2). Last evaluated 2025-02-08.

Allele frequency attached by ClinVar (database versions not stated): gnomAD 0.00011; TOPMed 0.00008.
gnomAD v4.1: 34 of 1,376,236 alleles (0.0025%); highest among the groups gnomAD compares: Admixed American, 0.036%; no homozygotes.

Submissions (2):

Ambry Genetics
Classification: Uncertain significance. Last evaluated: 2025-02-08. Review status: criteria provided, single submitter. Criteria: Ambry Variant Classification Scheme 2023. Collection method: clinical testing. Allele origin: germline.

Labcorp Genetics (formerly Invitae), Labcorp
Classification: Uncertain significance. Last evaluated: 2022-04-01. Review status: criteria provided, single submitter. Criteria: Invitae Variant Classification Sherloc (09022015). Collection method: clinical testing. Allele origin: germline.
Comment: This sequence change replaces arginine, which is basic and polar, with cysteine, which is neutral and slightly polar, at codon 15 of the MYH7B protein (p.Arg15Cys). The frequency data for this variant in the population databases is considered unreliable, as metrics indicate poor data quality at this position in the gnomAD database. This variant has not been reported in the literature in individuals affected with MYH7B-related conditions. Algorithms developed to predict the effect of missense changes on protein structure and function output the following: SIFT: "Deleterious"; PolyPhen-2: "Possibly Damaging"; Align-GVGD: "Class C0". The cysteine amino acid residue is found in multiple mammalian species, which suggests that this missense change does not adversely affect protein function. In summary, the available evidence is currently insufficient to determine the role of this variant in disease. Therefore, it has been classified as a Variant of Uncertain Significance.